The following is an entry in ClinVar:

ClinVar aggregate classification (germline): Uncertain significance (1 of 4 stars; one submission).

Submission:

Labcorp Genetics (formerly Invitae), Labcorp
Classification: Uncertain significance. Last evaluated: 2024-11-14. Review status: criteria provided, single submitter. Criteria: Invitae Variant Classification Sherloc (09022015). Collection method: clinical testing. Allele origin: germline.
Comment: This sequence change replaces glutamic acid, which is acidic and polar, with lysine, which is basic and polar, at codon 267 of the PPP3CA protein (p.Glu267Lys). This variant is not present in population databases (gnomAD no frequency). This variant has not been reported in the literature in individuals affected with PPP3CA-related conditions. ClinVar contains an entry for this variant (Variation ID: 1403134). Invitae Evidence Modeling of protein sequence and biophysical properties (such as structural, functional, and spatial information, amino acid conservation, physicochemical variation, residue mobility, and thermodynamic stability) indicates that this missense variant is not expected to disrupt PPP3CA protein function with a negative predictive value of 80%. In summary, the available evidence is currently insufficient to determine the role of this variant in disease. Therefore, it has been classified as a Variant of Uncertain Significance.

NM_000944.5(PPP3CA):c.799G>A (p.Glu267Lys)

Gene: PPP3CA (protein phosphatase 3 catalytic subunit alpha; minus strand). Cytogenetic location: 4q24.
Variant type: single nucleotide variant.
Coding change: c.799G>A on transcript NM_000944.5 (MANE Select); coding-DNA position 799, G replaced by A.
Protein change: p.Glu267Lys; replaces glutamic acid 267 with lysine.
Molecular consequence: missense variant.
Genome position (GRCh38, 1-based): chr4:101,083,247, C>T on the plus strand (G>A on the coding strand, the complement: PPP3CA is on the minus strand). VCF-style: chr4-101083247-C-T. GRCh37 (hg19) VCF-style: chr4-102004404-C-T.
Other names: c.799G>A, p.Glu267Lys (NM_001130691.2, NM_001130692.2); short protein forms E267K.
Identifiers: ClinVar variation 1403134 (VCV001403134.8), dbSNP rs2110240885, ClinGen allele CA357948517.